The following is an entry in ClinVar:

ClinVar aggregate classification (germline): Uncertain significance. Review status: criteria provided, multiple submitters, no conflicts (2 of 4 stars). 2 submissions from 2 submitters: Uncertain significance (2). Last evaluated 2026-03-17.

Conditions:
Cardiovascular phenotype. Identifiers: MedGen CN230736.

Submissions (2):

GeneDx
Classification: Uncertain significance. Last evaluated: 2026-03-17. Review status: criteria provided, single submitter. Criteria: GeneDx Variant Classification Process June 2021. Collection method: clinical testing. Allele origin: germline.
Comment: Not observed at significant frequency in large population cohorts (gnomAD); In silico analysis supports that this missense variant has a deleterious effect on protein structure/function; Has not been previously published as pathogenic or benign to our knowledge

Ambry Genetics
Classification: Uncertain significance for Cardiovascular phenotype. Last evaluated: 2025-09-02. Review status: criteria provided, single submitter. Criteria: Ambry Variant Classification Scheme 2023. Collection method: clinical testing. Allele origin: germline.
Comment: The p.A1008S variant (also known as c.3022G>T), located in coding exon 23 of the CACNA1C gene, results from a G to T substitution at nucleotide position 3022. The alanine at codon 1008 is replaced by serine, an amino acid with similar properties. This amino acid position is highly conserved in available vertebrate species. In addition, this alteration is predicted to be deleterious by in silico analysis. Based on the available evidence, the clinical significance of this variant remains unclear.

NM_000719.7(CACNA1C):c.3022G>T (p.Ala1008Ser)

Gene: CACNA1C (calcium voltage-gated channel subunit alpha1 C; plus strand). Cytogenetic location: 12p13.33.
Variant type: single nucleotide variant.
Coding change: c.3022G>T on transcript NM_000719.7 (MANE Select); coding-DNA position 3022, G replaced by T.
Protein change: p.Ala1008Ser; replaces alanine 1008 with serine.
Molecular consequence: missense variant.
Genome position (GRCh38, 1-based): chr12:2,605,142, G>T. VCF-style: chr12-2605142-G-T. GRCh37 (hg19) VCF-style: chr12-2714308-G-T.
Other names: c.3082G>T, p.Ala1028Ser (NM_001129827.2, NM_001129832.2, NM_199460.4); c.3022G>T, p.Ala1008Ser (NM_001129829.2, NM_001129830.3, NM_001129831.2 and 15 more transcripts); c.3013G>T, p.Ala1005Ser (NM_001129844.2); short protein forms A1028S, A1005S, A1008S.
Identifiers: ClinVar variation 4217782 (VCV004217782.2).